The following is an entry in ClinVar:

ClinVar aggregate classification (germline): Uncertain significance. Review status: criteria provided, multiple submitters, no conflicts (2 of 4 stars). 2 submissions from 2 submitters: Uncertain significance (2). Last evaluated 2024-12-28.

Conditions:
Charcot-Marie-Tooth disease type 4B3. Also called: CHARCOT-MARIE-TOOTH DISEASE, DEMYELINATING, TYPE 4B3; Charcot-Marie-Tooth Neuropathy Type 4B3. Identifiers: Orphanet 363981, MedGen C3695063, MONDO:0014117, OMIM 615284.

Allele frequency attached by ClinVar (database versions not stated): gnomAD exomes below 0.00001.
gnomAD v4.1: 7 of 1,609,126 alleles (0.00044%); highest among the groups gnomAD compares: African/African-American, 0.004%; no homozygotes.

Submissions (2):

Ambry Genetics
Classification: Uncertain significance. Last evaluated: 2024-12-28. Review status: criteria provided, single submitter. Criteria: Ambry Variant Classification Scheme 2023. Collection method: clinical testing. Allele origin: germline.

Baylor Genetics
Classification: Uncertain significance for Charcot-Marie-Tooth disease type 4B3. Last evaluated: 2019-02-21. Review status: criteria provided, single submitter. Criteria: ACMG Guidelines, 2015. Collection method: clinical testing. Allele origin: maternal. Affected: yes.
Comment: This variant was determined to be of uncertain significance according to ACMG Guidelines, 2015 [PMID:25741868].

NM_002972.4(SBF1):c.2938G>A (p.Gly980Arg)

Gene: SBF1 (SET binding factor 1; minus strand). Cytogenetic location: 22q13.33.
Variant type: single nucleotide variant.
Coding change: c.2938G>A on transcript NM_002972.4 (MANE Select); coding-DNA position 2938, G replaced by A.
Protein change: p.Gly980Arg; replaces glycine 980 with arginine.
Molecular consequence: missense variant.
Genome position (GRCh38, 1-based): chr22:50,461,188, C>T on the plus strand (G>A on the coding strand, the complement: SBF1 is on the minus strand). VCF-style: chr22-50461188-C-T. GRCh37 (hg19) VCF-style: chr22-50899617-C-T.
Other names: c.2941G>A, p.Gly981Arg (NM_001365819.1); short protein forms G980R, G981R.
Identifiers: ClinVar variation 1030608 (VCV001030608.2), dbSNP rs1180199698, ClinGen allele CA412207741.
Genomic context (GRCh38, chr22:50,461,188, plus strand): 5'-ATGAGAGCCCCACCCGCGCACCGCGCCCCACCTGGAATGTGCAGGAGCGCAGCTGGAGCC[C>T]GTCCTGCAGGAGCTGGTCCACAGGGGTCTGGACGCTGATGCGCTTCTCCTTGGTCAGCGC-3'
Protein context (NP_002963.2, residues 970-990): QTPVDQLLQD[Gly980Arg]LQLRSCTFQL